The following is an entry in ClinVar:

NM_001283009.2(RTEL1):c.733del (p.Thr245fs)

Genes: RTEL1 (regulator of telomere elongation helicase 1; plus strand), RTEL1-TNFRSF6B (RTEL1-TNFRSF6B readthrough (NMD candidate); plus strand). Cytogenetic location: 20q13.33.
Variant type: Deletion.
Coding change: c.733del on transcript NM_001283009.2 (MANE Select); coding-DNA position 733, one base deleted (A; older notation c.733delA).
Protein change: p.Thr245fs; shifts the reading frame from threonine 245.
Molecular consequence: frameshift variant. On other transcripts: non-coding transcript variant (1).
Genome position (GRCh38, 1-based): chr20:63,672,589, A deleted. VCF-style (leftmost placement, unchanged base first): chr20-63672588-GA-G. GRCh37 (hg19) VCF-style: chr20-62303941-GA-G.
Other names: c.805delA (NM_032957.4); c.64del, p.Thr22fs (NM_001283010.1); c.733del, p.Thr245fs (NM_016434.4); c.805del, p.Thr269fs (NM_032957.5); short protein forms T22fs, T245fs, T269fs.
Identifiers: ClinVar variation 4945847 (VCV004945847.2).

ClinVar aggregate classification (germline): Conflicting classifications of pathogenicity. Review status: criteria provided, conflicting classifications (1 of 4 stars). 2 submissions from 2 submitters: Likely pathogenic (1); Uncertain significance (1). Last evaluated 2026-09-14.

Conditions:
Inborn genetic diseases. Identifiers: MedGen C0950123, MeSH D030342.
RTEL1-related disorder. Also called: RTEL1-related condition; RTEL1-related disorders.

Submissions (2):

Ambry Genetics
Classification: Uncertain significance for Inborn genetic diseases. Last evaluated: 2026-09-14. Review status: criteria provided, single submitter. Criteria: Ambry Variant Classification Scheme 2023. Collection method: clinical testing. Allele origin: germline.
Comment: The c.805delA (p.T269Qfs*3) alteration, located in exon 9 (coding exon 8) of the RTEL1 gene, consists of a deletion of one nucleotide at position 805, causing a translational frameshift with a predicted alternate stop codon after 3 amino acids. Loss-of-function variants are expected to result in loss of function by premature protein truncation or nonsense-mediated mRNA decay. However, in silico splice site analysis predicts that this alteration may weaken the native splice acceptor site. The exact functional effect of this variant is unknown. This variant was not reported in population-based cohorts in the Genome Aggregation Database (gnomAD). Based on insufficient or conflicting evidence, the clinical significance of this alteration remains unclear.

Blueprint Genetics
Classification: Likely pathogenic for RTEL1-related disorders. Last evaluated: 2024-11-28. Review status: criteria provided, single submitter. Criteria: ACMG Guidelines, 2015. Collection method: clinical testing. Allele origin: germline. Affected: yes. Observed: 1 variant allele.